The following is an entry in ClinVar:

NM_007294.4(BRCA1):c.3668_3671dup (p.Cys1225fs)

Genes: BRCA1 (BRCA1 DNA repair associated; minus strand), LOC126862571 (BRD4-independent group 4 enhancer GRCh37_chr17:41243136-41244335; plus strand). Cytogenetic location: 17q21.31.
Variant type: Duplication.
Coding change: c.3668_3671dup on transcript NM_007294.4 (MANE Select); coding-DNA positions 3668 to 3671, 4 bases duplicated (TTCC; older notation c.3668_3671dupTTCC).
Protein change: p.Cys1225fs; shifts the reading frame from cysteine 1225.
Molecular consequence: frameshift variant. On other transcripts: intron variant (135).
Genome position (GRCh38, 1-based): chr17:43,091,860-43,091,863, GGAA duplicated on the plus strand (TTCC on the coding strand, the reverse complement: BRCA1 is on the minus strand); duplicating any 4 consecutive bases within chr17:43,091,860-43,091,864 gives the same sequence; the c. name uses the placement nearest the transcript's 3' end. VCF-style (leftmost placement, unchanged base first): chr17-43091859-G-GGGAA. GRCh37 (hg19) VCF-style: chr17-41243876-G-GGGAA.
Other names: 3790ins4; 3790_3791insTTCC; c.3665_3668dup, p.Cys1224fs (NM_001407629.1, NM_001407630.1, NM_001407631.1 and 22 more transcripts); c.3668_3671dup, p.Cys1225fs (NM_001407639.1, NM_001407640.1, NM_001407641.1 and 30 more transcripts); c.3659_3662dup, p.Cys1222fs (NM_001407646.1, NM_001407647.1); c.3545_3548dup, p.Cys1184fs (NM_001407648.1, NM_001407664.1, NM_001407665.1 and 19 more transcripts); c.3542_3545dup, p.Cys1183fs (NM_001407649.1, NM_001407670.1, NM_001407671.1 and 11 more transcripts); c.3590_3593dup, p.Cys1199fs (NM_001407653.1, NM_001407654.1, NM_001407655.1 and 4 more transcripts); and 44 more; short protein forms C1178fs, C1225fs, C1114fs, C1158fs, C1177fs, C1183fs, C1057fs, C1157fs.
Identifiers: ClinVar variation 54960 (VCV000054960.37), dbSNP rs80357797, ClinGen allele CA002351.

ClinVar aggregate classification (germline): Pathogenic. Review status: reviewed by expert panel (3 of 4 stars). 15 submissions from 15 submitters: Pathogenic (1). 14 of the submissions do not count toward it. Last evaluated 2016-04-22.

Conditions:
Breast and/or ovarian cancer. Identifiers: MedGen CN221562.
Inherited breast cancer and ovarian cancer.
Hereditary breast ovarian cancer syndrome. Also called: BRCA1- and BRCA2-Associated Hereditary Breast and Ovarian Cancer; Hereditary breast and ovarian cancer syndrome; Hereditary breast and ovarian cancer syndrome (HBOC); Breast and ovarian cancer; Hereditary breast and/or ovarian cancer syndrome; Hereditary breast and ovarian cancer. Identifiers: Orphanet 145, MedGen C0677776, MeSH D061325, MONDO:0003582. Disease mechanism: loss of function.
Hereditary cancer-predisposing syndrome. Also called: Hereditary Cancer Syndrome; Hereditary neoplastic syndrome; Neoplastic Syndromes, Hereditary; Tumor predisposition. Identifiers: Orphanet 140162, MedGen C0027672, MeSH D009386, MONDO:0015356.
Breast-ovarian cancer, familial, susceptibility to, 1 (BROVCA1). Also called: BRCA1 Hereditary Breast and Ovarian Cancer; OVARIAN CANCER, SUSCEPTIBILITY TO. Identifiers: Orphanet 145, MedGen C2676676, MONDO:0011450, OMIM 604370. Disease mechanism: loss of function.

Submissions 1 to 9 of 15:

Evidence-based Network for the Interpretation of Germline Mutant Alleles (ENIGMA)
Classification: Pathogenic for Breast-ovarian cancer, familial, susceptibility to, 1. Last evaluated: 2016-04-22. Review status: reviewed by expert panel. Criteria: ENIGMA BRCA1/2 Classification Criteria (2015). Collection method: curation. Allele origin: germline.
Comment: Variant allele predicted to encode a truncated non-functional protein.

Labcorp Genetics (formerly Invitae), Labcorp
Classification: Pathogenic for Hereditary breast ovarian cancer syndrome. Last evaluated: 2025-12-28. Review status: criteria provided, single submitter. Criteria: Invitae Variant Classification Sherloc (09022015). Collection method: clinical testing. Allele origin: germline. Not counted in ClinVar's aggregate classification.
Comment: This sequence change creates a premature translational stop signal (p.Cys1225Serfs*10) in the BRCA1 gene. It is expected to result in an absent or disrupted protein product. Loss-of-function variants in BRCA1 are known to be pathogenic (PMID: 20104584). This variant is not present in population databases (gnomAD no frequency). This premature translational stop signal has been observed in individual(s) with breast and ovarian cancer (PMID: 12698193, 15728167, 22711857, 26718727). This variant is also known as 3790ins4. ClinVar contains an entry for this variant (Variation ID: 54960). For these reasons, this variant has been classified as Pathogenic.

Genetics Laboratory, Great Ormond Street Hospital NHS Foundation Trust, North Thames Genomic Laboratory Hub
Classification: Pathogenic for Inherited breast cancer and ovarian cancer. Last evaluated: 2025-07-31. Review status: criteria provided, single submitter. Criteria: CanVIG BRCA Gene Specific V1.22. Collection method: clinical testing. Allele origin: germline. Affected: yes. Not counted in ClinVar's aggregate classification.
Comment: PS4_supporting, PM2_moderate, PVS1_very-strong, PM5_strong

Ambry Genetics
Classification: Pathogenic for Hereditary cancer-predisposing syndrome. Last evaluated: 2024-12-29. Review status: criteria provided, single submitter. Criteria: Ambry Variant Classification Scheme 2023. Collection method: clinical testing. Allele origin: germline. Not counted in ClinVar's aggregate classification.
Comment: The c.3668_3671dupTTCC pathogenic mutation, located in coding exon 9 of the BRCA1 gene, results from a duplication of TTCC at nucleotide position 3668, causing a translational frameshift with a predicted alternate stop codon (p.C1225Sfs*10). This mutation has been reported in multiple individuals with Hereditary Breast and Ovarian Cancer (HBOC) syndrome (Scottish/Northern Irish BRCA1/BRCA2 Consortium. Br. J. Cancer, 2003 Apr;88:1256-62; Claus EB et al. JAMA, 2005 Feb;293:964-9; Alsop K et al. J Clin Oncol, 2012 Jul;30:2654-63; Bernards SS et al. Gynecol. Oncol., 2016 Feb;140:221-5; Susswein LR et al. Genet Med, 2016 08;18:823-32; Arvai KJ et al. Hered Cancer Clin Pract, 2019 Jul;17:19). Of note, this alteration is also designated as 3790ins4 and 3790insTTCC in the published literature. In addition to the clinical data presented in the literature, this alteration is expected to result in loss of function by premature protein truncation or nonsense-mediated mRNA decay. As such, this alteration is interpreted as a disease-causing mutation.

GeneDx
Classification: Pathogenic. Last evaluated: 2024-08-13. Review status: criteria provided, single submitter. Criteria: GeneDx Variant Classification Process June 2021. Collection method: clinical testing. Allele origin: germline. Affected: yes. Not counted in ClinVar's aggregate classification.
Comment: Observed in individuals with personal or family history consistent with hereditary breast and ovarian cancer (PMID: 15728167, 22711857, 26718727); Frameshift variant predicted to result in protein truncation or nonsense mediated decay in a gene for which loss-of-function is a known mechanism of disease; Not observed at significant frequency in large population cohorts (gnomAD); Truncating variants in this gene are considered pathogenic by a well-established clinical consortium and/or database; Also known as 3671_3672insTTCC, 3790insTTCC, and 3790ins4; This variant is associated with the following publications: (PMID: 12112659, 12698193, 22711857, 15728167, 26681312, 23242139, 26315209, 21295272, 26718727, 33758026)

Baylor Genetics
Classification: Pathogenic for Breast-ovarian cancer, familial, susceptibility to, 1. Last evaluated: 2023-08-05. Review status: criteria provided, single submitter. Criteria: ACMG Guidelines, 2015. Collection method: clinical testing. Allele origin: unknown. Not counted in ClinVar's aggregate classification.

All of Us Research Program, National Institutes of Health
Classification: Pathogenic for Breast-ovarian cancer, familial, susceptibility to, 1. Last evaluated: 2023-07-09. Review status: criteria provided, single submitter. Criteria: ACMG Guidelines, 2015. Collection method: clinical testing. Allele origin: germline. Inheritance: Autosomal dominant inheritance. Observed: 2 variant alleles, 2 heterozygotes. Not counted in ClinVar's aggregate classification.
Comment: This variant inserts 4 nucleotides in exon 10 of the BRCA1 gene, creating a frameshift and premature translation stop signal. This variant is also known as c.3671_3672insTTCC and 3790ins4. This variant is expected to result in an absent or non-functional protein product. This variant has been detected in at least five individuals affected with breast and ovarian cancer (PMID: 15728167, 22711857, 26718727; Color internal data) and in suspected hereditary breast and ovarian cancer families (PMID: 12698193). This variant has not been identified in the general population by the Genome Aggregation Database (gnomAD). Loss of BRCA1 function is a known mechanism of disease. Based on the available evidence, this variant is classified as Pathogenic.

This study involves interpretation of variants in research participants for the purpose of population health screening. Participant phenotype was not available at the time of variant classification. Additional details can be found in publication PMID: 35346344, PMCID: PMC8962531

Color Diagnostics, LLC DBA Color Health
Classification: Pathogenic for Hereditary cancer-predisposing syndrome. Last evaluated: 2023-04-18. Review status: criteria provided, single submitter. Criteria: ACMG Guidelines, 2015. Collection method: clinical testing. Allele origin: germline. Not counted in ClinVar's aggregate classification.
Comment: This variant inserts 4 nucleotides in exon 10 of the BRCA1 gene, creating a frameshift and premature translation stop signal. This variant is also known as c.3671_3672insTTCC and 3790ins4. This variant is expected to result in an absent or non-functional protein product. This variant has been detected in at least five individuals affected with breast and ovarian cancer (PMID: 12698193, 15728167, 22711857, 26718727; Color internal data). This variant has not been identified in the general population by the Genome Aggregation Database (gnomAD). Loss of BRCA1 function is a known mechanism of disease. Based on the available evidence, this variant is classified as Pathogenic.

Women's Health and Genetics/Laboratory Corporation of America, LabCorp
Classification: Pathogenic for Hereditary breast ovarian cancer syndrome. Last evaluated: 2023-03-16. Review status: criteria provided, single submitter. Criteria: LabCorp Variant Classification Summary - May 2015. Collection method: clinical testing. Allele origin: germline. Not counted in ClinVar's aggregate classification.
Comment: Variant summary: BRCA1 c.3668_3671dupTTCC (p.Cys1225SerfsX10) results in a premature termination codon, predicted to cause a truncation of the encoded protein or absence of the protein due to nonsense mediated decay, which are commonly known mechanisms for disease. Truncations downstream of this position have been classified as pathogenic by our laboratory. The variant was absent in 251296 control chromosomes. c.3668_3671dupTTCC has been reported in the literature in individuals affected with Hereditary Breast And Ovarian Cancer Syndrome (e.g. Alsop_2012, Scottish-NorthernIrishConsortium_2003, Claus_2005, Evans_2022). These data indicate that the variant is likely to be associated with disease. Seven submitters, including an expert panel (ENIGMA), have provided clinical-significance assessments for this variant to ClinVar after 2014, and all classified the variant as pathogenic. Based on the evidence outlined above, the variant was classified as pathogenic.